The following is an entry in ClinVar:

ClinVar aggregate classification (germline): Pathogenic (1 of 4 stars; one submission).

Conditions:
Mitochondrial trifunctional protein deficiency. Identifiers: Orphanet 746, MedGen C1969443, MONDO:0012172.
Long chain 3-hydroxyacyl-CoA dehydrogenase deficiency. Also called: LCHAD Deficiency; Deficiency of long-chain 3-hydroxyacyl-coenzyme A dehydrogenase. Identifiers: Orphanet 5, MedGen C3711645, MONDO:0012173, OMIM 609016.

Submission:

Labcorp Genetics (formerly Invitae), Labcorp
Classification: Pathogenic for Mitochondrial trifunctional protein deficiency; Long chain 3-hydroxyacyl-CoA dehydrogenase deficiency. Last evaluated: 2024-01-16. Review status: criteria provided, single submitter. Criteria: Invitae Variant Classification Sherloc (09022015). Collection method: clinical testing. Allele origin: germline.
Comment: This sequence change creates a premature translational stop signal (p.Ser665*) in the HADHA gene. It is expected to result in an absent or disrupted protein product. Loss-of-function variants in HADHA are known to be pathogenic (PMID: 7738175, 21103935, 21549624, 22459206). This variant is present in population databases (rs757671025, gnomAD 0.007%). This variant has not been reported in the literature in individuals affected with HADHA-related conditions. ClinVar contains an entry for this variant (Variation ID: 1069465). Algorithms developed to predict the effect of sequence changes on RNA splicing suggest that this variant may disrupt the consensus splice site. For these reasons, this variant has been classified as Pathogenic.

Literature cited by the submitters: PubMed 7738175; PubMed 21103935; PubMed 21549624; PubMed 22459206.

NM_000182.5(HADHA):c.1990_1993dup (p.Ser665Ter)

Genes: HADHA (hydroxyacyl-CoA dehydrogenase trifunctional multienzyme complex subunit alpha; minus strand), GAREM2 (GRB2 associated regulator of MAPK1 subtype 2; plus strand). Cytogenetic location: 2p23.3.
Variant type: Duplication.
Coding change: c.1990_1993dup on transcript NM_000182.5 (MANE Select); coding-DNA positions 1990 to 1993, 4 bases duplicated (AAGT; older notation c.1990_1993dupAAGT).
Protein change: p.Ser665Ter; replaces serine 665 with a stop codon.
Molecular consequence: nonsense.
Genome position (GRCh38, 1-based): chr2:26,192,317-26,192,320, ACTT duplicated on the plus strand (AAGT on the coding strand, the reverse complement: HADHA is on the minus strand); duplicating any 4 consecutive bases within chr2:26,192,317-26,192,321 gives the same sequence; the c. name uses the placement nearest the transcript's 3' end. VCF-style (leftmost placement, unchanged base first): chr2-26192316-G-GACTT. GRCh37 (hg19) VCF-style: chr2-26415185-G-GACTT.
Other names: short protein forms S665*.
Identifiers: ClinVar variation 1069465 (VCV001069465.7), dbSNP rs757671025, ClinGen allele CA1559403.
Genomic context (GRCh38, chr2:26,192,316, plus strand): 5'-TTGGGCTGTCAGAGAAAGTCAATTTCCAGGCATTAGCCACTCAAACGGACTTACACTTCA[G>GACTT]ACTTAGGAGGCAGCTTCAGACTCGCTAAAATACTATCCATGTCAGAATTCAAATCCTTCC-3'